The following is an entry in ClinVar:

ClinVar aggregate classification (germline): Benign. Review status: criteria provided, multiple submitters, no conflicts (2 of 4 stars). 3 submissions from 3 submitters: Benign (2). 1 of the submissions does not count toward it. Last evaluated 2026-01-25.

Conditions:
CLASP1-related disorder. Also called: CLASP1-related condition.

Allele frequency attached by ClinVar (database versions not stated): 1000 Genomes Project 0.00180; 1000 Genomes Project 30x 0.00219.
gnomAD v4.1: 983 of 700,364 alleles (0.14%); highest among the groups gnomAD compares: South Asian, 1.2%; 17 homozygotes.

Submissions (3):

Labcorp Genetics (formerly Invitae), Labcorp
Classification: Benign. Last evaluated: 2026-01-25. Review status: criteria provided, single submitter. Criteria: Invitae Variant Classification Sherloc (09022015). Collection method: clinical testing. Allele origin: germline.

CeGaT Center for Human Genetics Tuebingen
Classification: Benign. Last evaluated: 2025-11-01. Review status: criteria provided, single submitter. Criteria: CeGaT Center For Human Genetics Tuebingen Variant Classification Criteria Version 2. Collection method: clinical testing. Allele origin: germline. Affected: yes. Observed: 3 variant alleles.
Comment: RNU4ATAC: BS1, BS2

PreventionGenetics, part of Exact Sciences
Classification: Benign for CLASP1-related condition. Last evaluated: 2019-04-12. Review status: no assertion criteria provided. Collection method: clinical testing. Allele origin: germline. Not counted in ClinVar's aggregate classification.
Comment: This variant is classified as benign based on ACMG/AMP sequence variant interpretation guidelines (Richards et al. 2015 PMID: 25741868, with internal and published modifications).

NM_001395891.1(CLASP1):c.196-647C>T

Genes: CLASP1 (cytoplasmic linker associated protein 1; minus strand), CLASP1-AS1 (CLASP1 antisense RNA 1; plus strand), RNU4ATAC (RNA, U4atac small nuclear; plus strand). Cytogenetic location: 2q14.2.
Variant type: single nucleotide variant.
Coding change: c.196-647C>T on transcript NM_001395891.1 (MANE Select); 647 bases into the intron before coding-DNA position 196, C replaced by T.
Molecular consequence: intron variant.
Genome position (GRCh38, 1-based): chr2:121,530,972, G>A on the plus strand (C>T on the coding strand, the complement: CLASP1 is on the minus strand). VCF-style: chr2-121530972-G-A. GRCh37 (hg19) VCF-style: chr2-122288548-G-A.
Other names: c.196-647C>T (NM_001142274.2, NM_015282.3, NM_001378003.1 and 4 more transcripts).
Identifiers: ClinVar variation 1601357 (VCV001601357.28), dbSNP rs367638364, ClinGen allele CA1854730.
Genomic context (GRCh38, chr2:121,530,972, plus strand): 5'-CAATGAGCGCATAGTGAGGGCAGTACTGCTAACGCCTGAACAACACACCCGCATCAACTA[G>A]AGCTTTTGCTTTATTTTGGTGCAATTTTTGGAAAAATGAAAACCTGTTTTCATAGACTTA-3'